The following is an entry in ClinVar:

ClinVar aggregate classification (germline): Uncertain significance (1 of 4 stars; one submission).

Conditions:
Multiple gastrointestinal atresias. Also called: FAMILIAL INTESTINAL POLYATRESIA SYNDROME; Multiple intestinal atresia. Identifiers: Orphanet 2300, MedGen C0220744, MONDO:0009465.

Allele frequency attached by ClinVar (database versions not stated): ExAC 0.00005; ESP Exome Variant Server 0.00008; 1000 Genomes Project 30x 0.00031; 1000 Genomes Project 0.00040.
gnomAD v4.1: 39 of 1,614,192 alleles (0.0024%); highest among the groups gnomAD compares: African/African-American, 0.0053%; no homozygotes.

Submission:

Labcorp Genetics (formerly Invitae), Labcorp
Classification: Uncertain significance for Multiple gastrointestinal atresias. Last evaluated: 2022-07-20. Review status: criteria provided, single submitter. Criteria: Invitae Variant Classification Sherloc (09022015). Collection method: clinical testing. Allele origin: germline.
Comment: This sequence change replaces valine, which is neutral and non-polar, with methionine, which is neutral and non-polar, at codon 621 of the TTC7A protein (p.Val621Met). This variant is present in population databases (rs201141407, gnomAD 0.005%). This variant has not been reported in the literature in individuals affected with TTC7A-related conditions. Algorithms developed to predict the effect of missense changes on protein structure and function (SIFT, PolyPhen-2, Align-GVGD) all suggest that this variant is likely to be tolerated. In summary, the available evidence is currently insufficient to determine the role of this variant in disease. Therefore, it has been classified as a Variant of Uncertain Significance.

NM_020458.4(TTC7A):c.1861G>A (p.Val621Met)

Gene: TTC7A (tetratricopeptide repeat domain 7A; plus strand). Cytogenetic location: 2p21.
Variant type: single nucleotide variant.
Coding change: c.1861G>A on transcript NM_020458.4 (MANE Select); coding-DNA position 1861, G replaced by A.
Protein change: p.Val621Met; replaces valine 621 with methionine.
Molecular consequence: missense variant.
Genome position (GRCh38, 1-based): chr2:47,046,373, G>A. VCF-style: chr2-47046373-G-A. GRCh37 (hg19) VCF-style: chr2-47273512-G-A.
Other names: c.1861G>A, p.Val621Met (NM_001288951.2); c.1759G>A, p.Val587Met (NM_001288953.2); c.799G>A, p.Val267Met (NM_001288955.2); short protein forms V267M, V587M, V621M.
Identifiers: ClinVar variation 2183408 (VCV002183408.1), dbSNP rs201141407, ClinGen allele CA1647884.